The following is an entry in ClinVar:

NM_001244008.2(KIF1A):c.5014C>T (p.Arg1672Ter)

Gene: KIF1A (kinesin family member 1A; minus strand). Cytogenetic location: 2q37.3.
Variant type: single nucleotide variant.
Coding change: c.5014C>T on transcript NM_001244008.2 (MANE Select); coding-DNA position 5014, C replaced by T.
Protein change: p.Arg1672Ter; replaces arginine 1672 with a stop codon.
Molecular consequence: nonsense.
Genome position (GRCh38, 1-based): chr2:240,719,781, G>A on the plus strand (C>T on the coding strand, the complement: KIF1A is on the minus strand). VCF-style: chr2-240719781-G-A. GRCh37 (hg19) VCF-style: chr2-241659198-G-A.
Other names: c.4738C>T, p.Arg1580Ter (NM_001320705.2, NM_001379649.1); c.4765C>T, p.Arg1589Ter (NM_001330289.2); c.4813C>T, p.Arg1605Ter (NM_001330290.2, NM_001379648.1); c.5089C>T, p.Arg1697Ter (NM_001379631.1); c.4990C>T, p.Arg1664Ter (NM_001379632.1); c.4987C>T, p.Arg1663Ter (NM_001379633.1, NM_001379645.1); c.4840C>T, p.Arg1614Ter (NM_001379634.1); c.4837C>T, p.Arg1613Ter (NM_001379635.1, NM_001379646.1); and 7 more; short protein forms R1571*, R1614*, R1605*, R1613*, R1579*, R1580*, R1588*, R1589*.
Identifiers: ClinVar variation 1937691 (VCV001937691.5), dbSNP rs2045066309, ClinGen allele CA351299858.

ClinVar aggregate classification (germline): Pathogenic (1 of 4 stars; one submission).

Conditions:
Hereditary spastic paraplegia 30. Identifiers: Orphanet 101010, MedGen C5235139, MONDO:0012476.
Neuropathy, hereditary sensory, type 2C. Also called: Hereditary sensory and autonomic neuropathy type IIC; KIF1A-Related HSAN2 (HSAN2C). Identifiers: Orphanet 970, MedGen C3280168, MONDO:0013634, OMIM 614213.
Intellectual disability, autosomal dominant 9 (NESCAVS). Also called: NESCAV SYNDROME; KIF1A-Related Neurodevelopmental Disorder. Identifiers: Orphanet 662367, MedGen C5393830, MONDO:0013656, OMIM 614255.

Allele frequency attached by ClinVar (database versions not stated): gnomAD 0.00001.

Submission:

Labcorp Genetics (formerly Invitae), Labcorp
Classification: Pathogenic for Hereditary spastic paraplegia 30; Neuropathy, hereditary sensory, type 2C; Intellectual disability, autosomal dominant 9. Last evaluated: 2024-03-07. Review status: criteria provided, single submitter. Criteria: Invitae Variant Classification Sherloc (09022015). Collection method: clinical testing. Allele origin: germline.
Comment: This sequence change creates a premature translational stop signal (p.Arg1571*) in the KIF1A gene. It is expected to result in an absent or disrupted protein product. Loss-of-function variants in KIF1A are known to be pathogenic (PMID: 21820098). This variant is not present in population databases (gnomAD no frequency). This variant has not been reported in the literature in individuals affected with KIF1A-related conditions. ClinVar contains an entry for this variant (Variation ID: 1937691). For these reasons, this variant has been classified as Pathogenic.

Literature cited by the submitters: PubMed 21820098.